The following is an entry in ClinVar:

ClinVar aggregate classification (germline): Likely benign. Review status: criteria provided, multiple submitters, no conflicts (2 of 4 stars). 2 submissions from 2 submitters: Likely benign (2). Last evaluated 2025-06-02.

Conditions:
Landau-Kleffner syndrome (FESD). Also called: APHASIA, ACQUIRED, WITH EPILEPSY; EPILEPSY, FOCAL, WITH SPEECH DISORDER AND WITH OR WITHOUT MENTAL RETARDATION. Identifiers: Orphanet 1945, Orphanet 725, Orphanet 98818, MedGen C0282512, MONDO:0009509, OMIM 245570.

Submissions (2):

Labcorp Genetics (formerly Invitae), Labcorp
Classification: Likely benign for Landau-Kleffner syndrome. Last evaluated: 2025-06-02. Review status: criteria provided, single submitter. Criteria: Invitae Variant Classification Sherloc (09022015). Collection method: clinical testing. Allele origin: germline.

CeGaT Center for Human Genetics Tuebingen
Classification: Likely benign. Last evaluated: 2023-11-01. Review status: criteria provided, single submitter. Criteria: CeGaT Center For Human Genetics Tuebingen Variant Classification Criteria Version 2. Collection method: clinical testing. Allele origin: germline. Affected: yes. Observed: 1 variant allele.
Comment: GRIN2A: PM2:Supporting, BP4, BP7

NM_001134407.3(GRIN2A):c.3153T>C (p.Tyr1051=)

Gene: GRIN2A (glutamate ionotropic receptor NMDA type subunit 2A; minus strand). Cytogenetic location: 16p13.2.
Variant type: single nucleotide variant.
Coding change: c.3153T>C on transcript NM_001134407.3 (MANE Select); coding-DNA position 3153, T replaced by C.
Protein change: p.Tyr1051=; no amino-acid change (tyrosine 1051 retained).
Molecular consequence: synonymous variant.
Genome position (GRCh38, 1-based): chr16:9,764,391, A>G on the plus strand (T>C on the coding strand, the complement: GRIN2A is on the minus strand). VCF-style: chr16-9764391-A-G. GRCh37 (hg19) VCF-style: chr16-9858248-A-G.
Other names: c.3153T>C, p.Tyr1051= (NM_000833.5, NM_001134408.2).
Identifiers: ClinVar variation 2672616 (VCV002672616.26), dbSNP rs201716879, ClinGen allele CA493693155.